The following is an entry in ClinVar:

NM_000077.5(CDKN2A):c.231T>C (p.Thr77=)

Gene: CDKN2A (cyclin dependent kinase inhibitor 2A; minus strand). Cytogenetic location: 9p21.3.
Variant type: single nucleotide variant.
Coding change: c.231T>C on transcript NM_000077.5; coding-DNA position 231, T replaced by C.
Protein change: p.Thr77=; no amino-acid change (threonine 77 retained).
Molecular consequence: synonymous variant (on NM_000077.6). On other transcripts: missense variant (1), 3 prime UTR variant (1).
Genome position (GRCh38, 1-based): chr9:21,971,128, A>G on the plus strand (T>C on the coding strand, the complement: CDKN2A is on the minus strand). VCF-style: chr9-21971128-A-G. GRCh37 (hg19) VCF-style: chr9-21971127-A-G.
Other names: c.231T>C, p.Thr77= (NM_000077.6, NM_001195132.2); c.78T>C, p.Thr26= (NM_001363763.2); c.274T>C, p.Ser92Pro (NM_058195.4); c.*154T>C (NM_058197.5); short protein forms S92P.
Identifiers: ClinVar variation 418586 (VCV000418586.3), dbSNP rs1064793313, ClinGen allele CA16618830.

ClinVar aggregate classification (germline): Conflicting classifications of pathogenicity. Review status: criteria provided, conflicting classifications (1 of 4 stars). 2 submissions from 2 submitters: Uncertain significance (1); Likely benign (1). Last evaluated 2023-11-25.

Conditions:
Hereditary cancer-predisposing syndrome. Also called: Tumor predisposition; Hereditary Cancer Syndrome; Hereditary neoplastic syndrome; Neoplastic Syndromes, Hereditary. Identifiers: Orphanet 140162, MedGen C0027672, MeSH D009386, MONDO:0015356.

Allele frequency attached by ClinVar (database versions not stated): TOPMed below 0.00001; gnomAD 0.00001.

Submissions (2):

Ambry Genetics
Classification: Likely benign for Hereditary cancer-predisposing syndrome. Last evaluated: 2023-11-25. Review status: criteria provided, single submitter. Criteria: Ambry Variant Classification Scheme 2023. Collection method: clinical testing. Allele origin: germline.

GeneDx
Classification: Uncertain significance. Last evaluated: 2015-09-15. Review status: criteria provided, single submitter. Criteria: GeneDx Variant Classification (06012015). Collection method: clinical testing. Allele origin: germline. Affected: yes.
Comment: This variant is denoted CDKN2A c.274T>C at the cDNA level, p.Ser92Pro (S92P) at the protein level, and results in the change of a Serine to a Proline (TCT>CCT) of the p14-ARF protein. The CDKN2A gene encodes the p16 protein and, using an alternate reading frame, the p14-ARF protein as well. Of note, this variant also results in a change to the p16 protein; however, that amino acid substitution is silent (p.Thr77Thr). This variant has not, to our knowledge, been published in the literature as pathogenic or benign. CDKN2A Ser92Pro was not observed in approximately 6,500 individuals of European and African American ancestry in the NHLBI Exome Sequencing Project, indicating it is not a common benign variant in these populations. Since Serine and Proline differ in polarity, charge, size or other properties, this is considered a non-conservative amino acid substitution. CDKN2A Ser92Pro occurs at a position that is not conserved and is not located in a known functional domain (UniProt). In silico analyses predict that this variant is unlikely to alter protein structure or function. Based on currently available information, it is unclear whether CDKN2A Ser92Pro is pathogenic or benign. We consider it to be a variant of uncertain significance.